The following is an entry in ClinVar:

NM_006623.4(PHGDH):c.1325C>T (p.Thr442Met)

Gene: PHGDH (phosphoglycerate dehydrogenase; plus strand). Cytogenetic location: 1p12.
Variant type: single nucleotide variant.
Coding change: c.1325C>T on transcript NM_006623.4 (MANE Select); coding-DNA position 1325, C replaced by T.
Protein change: p.Thr442Met; replaces threonine 442 with methionine.
Molecular consequence: missense variant.
Genome position (GRCh38, 1-based): chr1:119,742,922, C>T. VCF-style: chr1-119742922-C-T. GRCh37 (hg19) VCF-style: chr1-120285545-C-T.
Other names: short protein forms T442M.
Identifiers: ClinVar variation 3383484 (VCV003383484.1).

ClinVar aggregate classification (germline): Uncertain significance (1 of 4 stars; one submission).

gnomAD v4.1: 8 of 1,613,762 alleles (0.0005%); highest among the groups gnomAD compares: African/African-American, 0.0013%; no homozygotes.

Submission:

GeneDx
Classification: Uncertain significance. Last evaluated: 2024-05-31. Review status: criteria provided, single submitter. Criteria: GeneDx Variant Classification Process June 2021. Collection method: clinical testing. Allele origin: germline. Affected: yes.
Comment: Not observed at significant frequency in large population cohorts (gnomAD); In silico analysis indicates that this missense variant does not alter protein structure/function; Has not been previously published as pathogenic or benign to our knowledge